The following is an entry in ClinVar:

NM_177438.3(DICER1):c.2650+13del

Gene: DICER1 (dicer 1, ribonuclease III; minus strand). Cytogenetic location: 14q32.13.
Variant type: Deletion.
Coding change: c.2650+13del on transcript NM_177438.3 (MANE Select); 13 bases into the intron after coding-DNA position 2650, one base deleted (T; older notation c.2650+13delT).
Molecular consequence: intron variant.
Genome position (GRCh38, 1-based): chr14:95,107,867, A deleted on the plus strand (T on the coding strand, the reverse complement: DICER1 is on the minus strand). VCF-style (leftmost placement, unchanged base first): chr14-95107866-GA-G. GRCh37 (hg19) VCF-style: chr14-95574203-GA-G.
Other names: c.2650+13delT (NM_177438.3); c.2650+13del (NM_001291628.2, NM_030621.4, NM_001271282.3 and 1 more transcripts).
Identifiers: ClinVar variation 1584938 (VCV001584938.16), dbSNP rs528577189, ClinGen allele CA7331216.
Genomic context (GRCh38, chr14:95,107,866, plus strand): 5'-AGATAAGTTTCATACCAAAGCTGTATGTTTGTATATGTGTCTAGAGTTATCAAAGTAAGA[GA>G]TTTTTTTCTTACCAACATTAAGAGGTAGAACACAGTATGCTGAATCAGCGTCTGTAGGTT-3'

ClinVar aggregate classification (germline): Benign/Likely benign. Review status: criteria provided, multiple submitters, no conflicts (2 of 4 stars). 3 submissions from 3 submitters: Benign (2); Likely benign (1). Last evaluated 2026-02-04.

Conditions:
DICER1-related tumor predisposition. Also called: DICER1-related pleuropulmonary blastoma cancer predisposition syndrome; DICER1 syndrome. Identifiers: Orphanet 284343, MedGen C3839822, MONDO:0100216.

Allele frequency attached by ClinVar (database versions not stated): TOPMed 0.00006; gnomAD 0.00033; gnomAD exomes 0.00076 and 0.00158; ExAC 0.00176; 1000 Genomes Project 30x 0.00187; 1000 Genomes Project 0.00200.

Submissions (3):

Labcorp Genetics (formerly Invitae), Labcorp
Classification: Benign for DICER1-related tumor predisposition. Last evaluated: 2026-02-04. Review status: criteria provided, single submitter. Criteria: Invitae Variant Classification Sherloc (09022015). Collection method: clinical testing. Allele origin: germline.

Center for Genomic Medicine, Rigshospitalet, Copenhagen University Hospital
Classification: Benign. Last evaluated: 2025-03-04. Review status: criteria provided, single submitter. Criteria: ACMG Guidelines, 2015. Collection method: clinical testing. Allele origin: germline.

GeneDx
Classification: Likely benign. Last evaluated: 2019-06-15. Review status: criteria provided, single submitter. Criteria: GeneDx Variant Classification Process June 2021. Collection method: clinical testing. Allele origin: germline. Affected: yes.
Comment: See Variant Classification Assertion Criteria.